The following is an entry in ClinVar:

NM_001184.4(ATR):c.7667C>G (p.Thr2556Ser)

Gene: ATR (ATR checkpoint kinase; minus strand). Cytogenetic location: 3q23.
Variant type: single nucleotide variant.
Coding change: c.7667C>G on transcript NM_001184.4 (MANE Select); coding-DNA position 7667, C replaced by G.
Protein change: p.Thr2556Ser; replaces threonine 2556 with serine.
Molecular consequence: missense variant.
Genome position (GRCh38, 1-based): chr3:142,453,222, G>C on the plus strand (C>G on the coding strand, the complement: ATR is on the minus strand). VCF-style: chr3-142453222-G-C. GRCh37 (hg19) VCF-style: chr3-142172064-G-C.
Other names: c.7475C>G, p.Thr2492Ser (NM_001354579.2); short protein forms T2556S, T2492S.
Identifiers: ClinVar variation 343581 (VCV000343581.16), dbSNP rs200490116, ClinGen allele CA2649077.

ClinVar aggregate classification (germline): Conflicting classifications of pathogenicity. Review status: criteria provided, conflicting classifications (1 of 4 stars). 4 submissions from 4 submitters: Uncertain significance (1); Benign (1); Likely benign (2). Last evaluated 2026-01-27.

Conditions:
ATR-related disorder. Also called: ATR-related condition.
Seckel syndrome 1 (SCKL1). Also called: MICROCEPHALIC PRIMORDIAL DWARFISM I. Identifiers: Orphanet 808, MedGen C4551474, MONDO:0008869, OMIM 210600.

Allele frequency attached by ClinVar (database versions not stated): 1000 Genomes Project 0.00040; ExAC 0.00041; gnomAD 0.00007 and 0.00011; gnomAD exomes 0.00009 and 0.00035; TOPMed 0.00015; 1000 Genomes Project 30x 0.00031.

Submissions (4):

Labcorp Genetics (formerly Invitae), Labcorp
Classification: Benign. Last evaluated: 2026-01-27. Review status: criteria provided, single submitter. Criteria: Invitae Variant Classification Sherloc (09022015). Collection method: clinical testing. Allele origin: germline.

PreventionGenetics, part of Exact Sciences
Classification: Likely benign for ATR-related condition. Last evaluated: 2025-06-25. Review status: criteria provided, single submitter. Criteria: ACMG Guidelines, 2015. Collection method: clinical testing. Allele origin: germline.
Comment: This variant is classified as likely benign based on ACMG/AMP sequence variant interpretation guidelines (Richards et al. 2015 PMID: 25741868, with internal and published modifications).

Illumina Laboratory Services, Illumina
Classification: Likely benign for Seckel syndrome 1. Last evaluated: 2018-01-13. Review status: criteria provided, single submitter. Criteria: ICSL Variant Classification Criteria 13 December 2019. Collection method: clinical testing. Allele origin: germline.
Comment: This variant was observed in the ICSL laboratory as part of a predisposition screen in an ostensibly healthy population. It had not been previously curated by ICSL or reported in the Human Gene Mutation Database (HGMD: prior to June 1st, 2018), and was therefore a candidate for classification through an automated scoring system. Utilizing variant allele frequency, disease prevalence and penetrance estimates, and inheritance mode, an automated score was calculated to assess if this variant is too frequent to cause the disease. Based on the score and internal cut-off values, a variant classified as likely benign is not then subjected to further curation. The score for this variant resulted in a classification of likely benign for this disease.

GeneDx
Classification: Uncertain significance. Last evaluated: 2016-07-07. Review status: criteria provided, single submitter. Criteria: GeneDx Variant Classification (06012015). Collection method: clinical testing. Allele origin: germline. Affected: yes.
Comment: A variant of uncertain significance has been identified in the ATR gene. The T2556S variant has not been published as a pathogenic variant, nor has it been reported as a benign variant to our knowledge. It was not observed in approximately 6,500 individuals of European and African American ancestry in the NHLBI Exome Sequencing Project, indicating it is not a common benign variant in these populations; but the 1000 Genomes Project reports T2556S was observed in 2/186 (1.08%) alleles from individuals of Chinese background. This substitution occurs at a position that is conserved across species and in silico analysis predicts this variant is probably damaging to the protein structure/function. However, the T2556S variant is a conservative amino acid substitution, which is not likely to impact secondary protein structure as these residues share similar properties. Additionally, missense variants in nearby residues have not been reported in the Human Gene Mutation Database in association with ATR-related disorder (Stenson et al., 2014). Based on the currently available information, it is unclear whether this variant is a pathogenic variant or a rare benign variant.